The following is an entry in ClinVar:

NM_005989.4(AKR1D1):c.594G>A (p.Pro198=)

Gene: AKR1D1 (aldo-keto reductase family 1 member D1; plus strand). Cytogenetic location: 7q33.
Variant type: single nucleotide variant.
Coding change: c.594G>A on transcript NM_005989.4 (MANE Select); coding-DNA position 594, G replaced by A.
Protein change: p.Pro198=; no amino-acid change (proline 198 retained).
Molecular consequence: synonymous variant.
Genome position (GRCh38, 1-based): chr7:138,106,622, G>A. VCF-style: chr7-138106622-G-A. GRCh37 (hg19) VCF-style: chr7-137791368-G-A.
Other names: c.471G>A, p.Pro157= (NM_001190906.2); c.594G>A, p.Pro198= (NM_001190907.2).
Identifiers: ClinVar variation 3351739 (VCV003351739.1).

ClinVar aggregate classification (germline): Likely benign (0 of 4 stars; one submission).

Conditions:
AKR1D1-related disorder. Also called: AKR1D1-related condition.

gnomAD v4.1: 78 of 1,613,902 alleles (0.0048%); highest among the groups gnomAD compares: South Asian, 0.015%; no homozygotes.

Submission:

PreventionGenetics, part of Exact Sciences
Classification: Likely benign for AKR1D1-related condition. Last evaluated: 2024-07-11. Review status: no assertion criteria provided. Collection method: clinical testing. Allele origin: germline.
Comment: This variant is classified as likely benign based on ACMG/AMP sequence variant interpretation guidelines (Richards et al. 2015 PMID: 25741868, with internal and published modifications).